The following is an entry in ClinVar:

ClinVar aggregate classification (germline): Uncertain significance (1 of 4 stars; one submission).

Conditions:
Combined oxidative phosphorylation defect type 14. Also called: Combined oxidative phosphorylation deficiency 14. Identifiers: Orphanet 319519, MedGen C4755312, MONDO:0013986, OMIM 614946.

Allele frequency attached by ClinVar (database versions not stated): gnomAD 0.00011 and 0.00009; ExAC 0.00003; gnomAD exomes 0.00002 and 0.00004; TOPMed 0.00008.
gnomAD v4.1: 38 of 1,613,550 alleles (0.0024%); highest among the groups gnomAD compares: Admixed American, 0.027%; no homozygotes.

Submission:

Labcorp Genetics (formerly Invitae), Labcorp
Classification: Uncertain significance for Combined oxidative phosphorylation defect type 14. Last evaluated: 2025-10-24. Review status: criteria provided, single submitter. Criteria: Invitae Variant Classification Sherloc (09022015). Collection method: clinical testing. Allele origin: germline.
Comment: This sequence change replaces arginine, which is basic and polar, with glutamine, which is neutral and polar, at codon 307 of the FARS2 protein (p.Arg307Gln). This variant is present in population databases (rs771882917, gnomAD 0.01%). This missense change has been observed in individual(s) with FARS2-related conditions (PMID: 33057194). ClinVar contains an entry for this variant (Variation ID: 1023848). Invitae Evidence Modeling of protein sequence and biophysical properties (such as structural, functional, and spatial information, amino acid conservation, physicochemical variation, residue mobility, and thermodynamic stability) indicates that this missense variant is not expected to disrupt FARS2 protein function with a negative predictive value of 95%. In summary, the available evidence is currently insufficient to determine the role of this variant in disease. Therefore, it has been classified as a Variant of Uncertain Significance.

Literature cited by the submitters: PubMed 33057194.

NM_006567.5(FARS2):c.920G>A (p.Arg307Gln)

Gene: FARS2 (phenylalanyl-tRNA synthetase 2, mitochondrial; plus strand). Cytogenetic location: 6p25.1.
Variant type: single nucleotide variant.
Coding change: c.920G>A on transcript NM_006567.5 (MANE Select); coding-DNA position 920, G replaced by A.
Protein change: p.Arg307Gln; replaces arginine 307 with glutamine.
Molecular consequence: missense variant.
Genome position (GRCh38, 1-based): chr6:5,545,195, G>A. VCF-style: chr6-5545195-G-A. GRCh37 (hg19) VCF-style: chr6-5545428-G-A.
Other names: c.920G>A, p.Arg307Gln (NM_001318872.2, NM_001374875.1, NM_001374876.1 and 4 more transcripts); c.788G>A, p.Arg263Gln (NM_001375258.1); c.224G>A, p.Arg75Gln (NM_001375259.1, NM_001375260.1); short protein forms R263Q, R307Q, R75Q.
Identifiers: ClinVar variation 1023848 (VCV001023848.6), dbSNP rs771882917, ClinGen allele CA3623836.
Genomic context (GRCh38, chr6:5,545,195, plus strand): 5'-ATCTCGATACTTTTTAAAAACAACTATTTTGTTTCCTAATCACAGCTGGTGCTCAAGACC[G>A]AATCGGCTGGGCTTTTGGCCTAGGATTAGAAAGGCTAGCCATGATCCTCTACGACATCCC-3'
Protein context (NP_006558.1, residues 297-317): QLVNSAGAQD[Arg307Gln]IGWAFGLGLE